The following is an entry in ClinVar:

NM_002225.5(IVD):c.540G>A (p.Ala180=)

Gene: IVD (isovaleryl-CoA dehydrogenase; plus strand). Cytogenetic location: 15q15.1.
Variant type: single nucleotide variant.
Coding change: c.540G>A on transcript NM_002225.5 (MANE Select); coding-DNA position 540, G replaced by A.
Protein change: p.Ala180=; no amino-acid change (alanine 180 retained).
Molecular consequence: synonymous variant. On other transcripts: non-coding transcript variant (1).
Genome position (GRCh38, 1-based): chr15:40,411,343, G>A. VCF-style: chr15-40411343-G-A. GRCh37 (hg19) VCF-style: chr15-40703542-G-A.
Other names: c.450G>A, p.Ala150= (NM_001159508.3); c.492G>A, p.Ala164= (NM_001354597.3); c.540G>A, p.Ala180= (NM_001354598.3, NM_001354601.3); c.627G>A, p.Ala209= (NM_001354599.3, NM_001354600.3).
Identifiers: ClinVar variation 765930 (VCV000765930.40), dbSNP rs775944806, ClinGen allele CA7480662.
Genomic context (GRCh38, chr15:40,411,343, plus strand): 5'-AGCCCTGGCCATGAGTGAGCCCAATGCAGGCTCTGATGTTGTCTCTATGAAGCTCAAAGC[G>A]GAAAAGAAAGGTGAGGCCACTCTCAACTTGGGAGCCAAAATGGGCAGAGGTACAGACATT-3'
Protein context (NP_002216.3, residues 170-190): GSDVVSMKLK[Ala180=]EKKGNHYILN

ClinVar aggregate classification (germline): Likely benign. Review status: criteria provided, multiple submitters, no conflicts (2 of 4 stars). 2 submissions from 2 submitters: Likely benign (2). Last evaluated 2025-12-08.

Conditions:
Isovaleryl-CoA dehydrogenase deficiency (IVA). Also called: IVD DEFICIENCY; Classic Isovaleric Acidemia; Isovaleric acidemia; ISOVALERIC ACID CoA DEHYDROGENASE DEFICIENCY. Identifiers: Orphanet 33, MedGen C0268575, MONDO:0009475, OMIM 243500.

Allele frequency attached by ClinVar (database versions not stated): gnomAD exomes 0.00001; TOPMed 0.00001; ExAC 0.00002; gnomAD 0.00002.
gnomAD v4.1: 25 of 1,613,980 alleles (0.0015%); highest among the groups gnomAD compares: African/African-American, 0.004%; no homozygotes.

Submissions (2):

Labcorp Genetics (formerly Invitae), Labcorp
Classification: Likely benign for Isovaleryl-CoA dehydrogenase deficiency. Last evaluated: 2025-12-08. Review status: criteria provided, single submitter. Criteria: Invitae Variant Classification Sherloc (09022015). Collection method: clinical testing. Allele origin: germline.

CeGaT Center for Human Genetics Tuebingen
Classification: Likely benign. Last evaluated: 2022-05-01. Review status: criteria provided, single submitter. Criteria: CeGaT Center For Human Genetics Tuebingen Variant Classification Criteria Version 2. Collection method: clinical testing. Allele origin: germline. Affected: yes. Observed: 1 variant allele.
Comment: IVD: BP4, BP7